The following is an entry in ClinVar:

NM_133259.4(LRPPRC):c.3298_3301dup (p.Thr1101fs)

Gene: LRPPRC (leucine rich pentatricopeptide repeat containing; minus strand). Cytogenetic location: 2p21.
Variant type: Duplication.
Coding change: c.3298_3301dup on transcript NM_133259.4 (MANE Select); coding-DNA positions 3298 to 3301, 4 bases duplicated (TTCA; older notation c.3298_3301dupTTCA).
Protein change: p.Thr1101fs; shifts the reading frame from threonine 1101.
Molecular consequence: frameshift variant.
Genome position (GRCh38, 1-based): chr2:43,905,755-43,905,758, TGAA duplicated on the plus strand (TTCA on the coding strand, the reverse complement: LRPPRC is on the minus strand). VCF-style (leftmost placement, unchanged base first): chr2-43905754-G-GTGAA. GRCh37 (hg19) VCF-style: chr2-44132893-G-GTGAA.
Other names: short protein forms T1101fs.
Identifiers: ClinVar variation 4057394 (VCV004057394.2).
Genomic context (GRCh38, chr2:43,905,754, plus strand): 5'-TTCAAATAATCCCGCCTAACTTGCGTTATGATGAGGCGGCTGTTGGCAGCATCGTTCAGT[G>GTGAA]TGAAGCCCTTGATGTGGGTCTCCGCGCTAAAAGAAGCAGACATTTAGAAAGGAATTACTG-3'

ClinVar aggregate classification (germline): Likely pathogenic (1 of 4 stars; one submission).

Conditions:
Congenital lactic acidosis, Saguenay-Lac-Saint-Jean type (MC4DN5). Also called: CYTOCHROME c OXIDASE DEFICIENCY, FRENCH CANADIAN TYPE; COX DEFICIENCY, FRENCH CANADIAN TYPE; MITOCHONDRIAL COMPLEX IV DEFICIENCY, NUCLEAR TYPE 5. Identifiers: Orphanet 70472, MedGen C1857355, MONDO:0009069, OMIM 220111.

Submission:

Natera, Inc.
Classification: Likely pathogenic for French-Canadian type Leigh syndrome. Last evaluated: 2025-01-22. Review status: criteria provided, single submitter. Criteria: Natera Variant Classification Schema (03/2026). Collection method: clinical testing. Allele origin: germline.
Comment: The c.3298_3301dup variant in LRPPRC is a frameshift variant predicted to shift the reading frame beginning at codon 1101 and leads to a stop codon 17 codons downstream. This variant is expected to result in nonsense mediated decay, truncation, or a dysfunctional protein product. This variant is rare in the general population with a frequency below the threshold expected for the associated phenotype(s). Given the available evidence, this variant is classified as Likely Pathogenic.